The following is an entry in ClinVar:

ClinVar aggregate classification (germline): Uncertain significance. Review status: criteria provided, multiple submitters, no conflicts (2 of 4 stars). 2 submissions from 2 submitters: Uncertain significance (2). Last evaluated 2024-11-21.

Conditions:
POLD1-related polyposis and colorectal cancer syndrome (CRCS10). Also called: Colorectal cancer, susceptibility to, 10; Colorectal cancer 10; COLORECTAL CANCER, SUSCEPTIBILITY TO, ON CHROMOSOME 19q. Identifiers: Orphanet 220460, MedGen C2675481, MONDO:0012953, OMIM 612591.
Hereditary cancer-predisposing syndrome. Also called: Hereditary neoplastic syndrome; Tumor predisposition; Hereditary Cancer Syndrome; Neoplastic Syndromes, Hereditary. Identifiers: Orphanet 140162, MedGen C0027672, MeSH D009386, MONDO:0015356.

gnomAD v4.1: 1 of 1,613,882 alleles (0.000062%); highest among the groups gnomAD compares: Non-Finnish European, 0.000085%; no homozygotes.

Submissions (2):

Ambry Genetics
Classification: Uncertain significance for Hereditary cancer-predisposing syndrome. Last evaluated: 2024-11-21. Review status: criteria provided, single submitter. Criteria: Ambry Variant Classification Scheme 2023. Collection method: clinical testing. Allele origin: germline.
Comment: The p.V651M variant (also known as c.1951G>A), located in coding exon 15 of the POLD1 gene, results from a G to A substitution at nucleotide position 1951. The valine at codon 651 is replaced by methionine, an amino acid with highly similar properties. This amino acid position is conserved. In addition, the in silico prediction for this alteration is inconclusive. Based on the available evidence, the clinical significance of this variant remains unclear.

Labcorp Genetics (formerly Invitae), Labcorp
Classification: Uncertain significance for POLD1-related polyposis and colorectal cancer syndrome. Last evaluated: 2020-11-17. Review status: criteria provided, single submitter. Criteria: Invitae Variant Classification Sherloc (09022015). Collection method: clinical testing. Allele origin: germline.
Comment: Algorithms developed to predict the effect of missense changes on protein structure and function (SIFT, PolyPhen-2, Align-GVGD) all suggest that this variant is likely to be tolerated, but these predictions have not been confirmed by published functional studies and their clinical significance is uncertain. This sequence change replaces valine with methionine at codon 651 of the POLD1 protein (p.Val651Met). The valine residue is moderately conserved and there is a small physicochemical difference between valine and methionine. This variant is not present in population databases (ExAC no frequency). This variant has not been reported in the literature in individuals with POLD1-related disease. In summary, the available evidence is currently insufficient to determine the role of this variant in disease. Therefore, it has been classified as a Variant of Uncertain Significance.

NM_002691.4(POLD1):c.1951G>A (p.Val651Met)

Gene: POLD1 (DNA polymerase delta 1, catalytic subunit; plus strand). Cytogenetic location: 19q13.33.
Variant type: single nucleotide variant.
Coding change: c.1951G>A on transcript NM_002691.4 (MANE Select); coding-DNA position 1951, G replaced by A.
Protein change: p.Val651Met; replaces valine 651 with methionine.
Molecular consequence: missense variant. On other transcripts: non-coding transcript variant (1).
Genome position (GRCh38, 1-based): chr19:50,409,180, G>A. VCF-style: chr19-50409180-G-A. GRCh37 (hg19) VCF-style: chr19-50912437-G-A.
Other names: c.1951G>A, p.Val651Met (NM_001256849.1); c.2029G>A, p.Val677Met (NM_001308632.1); c.1951G>A (NM_002691.2); short protein forms V651M, V677M.
Identifiers: ClinVar variation 659741 (VCV000659741.9), dbSNP rs1431495856, ClinGen allele CA406982306.